The following is an entry in ClinVar:

NM_014264.5(PLK4):c.2036C>G (p.Pro679Arg)

Gene: PLK4 (polo like kinase 4; plus strand). Cytogenetic location: 4q28.1.
Variant type: single nucleotide variant.
Coding change: c.2036C>G on transcript NM_014264.5 (MANE Select); coding-DNA position 2036, C replaced by G.
Protein change: p.Pro679Arg; replaces proline 679 with arginine.
Molecular consequence: missense variant.
Genome position (GRCh38, 1-based): chr4:127,891,679, C>G. VCF-style: chr4-127891679-C-G. GRCh37 (hg19) VCF-style: chr4-128812834-C-G.
Other names: c.1940C>G, p.Pro647Arg (NM_001190799.2); c.1913C>G, p.Pro638Arg (NM_001190801.2); short protein forms P638R, P647R, P679R.
Identifiers: ClinVar variation 1347273 (VCV001347273.8), dbSNP rs1735365527, ClinGen allele CA358158788.

ClinVar aggregate classification (germline): Uncertain significance (1 of 4 stars; one submission).

Submission:

Labcorp Genetics (formerly Invitae), Labcorp
Classification: Uncertain significance. Last evaluated: 2021-06-12. Review status: criteria provided, single submitter. Criteria: Invitae Variant Classification Sherloc (09022015). Collection method: clinical testing. Allele origin: germline.
Comment: In summary, the available evidence is currently insufficient to determine the role of this variant in disease. Therefore, it has been classified as a Variant of Uncertain Significance. Algorithms developed to predict the effect of missense changes on protein structure and function are either unavailable or do not agree on the potential impact of this missense change (SIFT: "Deleterious"; PolyPhen-2: "Probably Damaging"; Align-GVGD: "Class C0"). This variant has not been reported in the literature in individuals with PLK4-related conditions. This variant is not present in population databases (ExAC no frequency). This sequence change replaces proline with arginine at codon 679 of the PLK4 protein (p.Pro679Arg). The proline residue is highly conserved and there is a moderate physicochemical difference between proline and arginine.